The following is an entry in ClinVar:

ClinVar aggregate classification (germline): Uncertain significance (1 of 4 stars; one submission).

gnomAD v4.1: 4 of 1,570,590 alleles (0.00025%); highest among the groups gnomAD compares: Non-Finnish European, 0.00034%; no homozygotes.

Submission:

Women's Health and Genetics/Laboratory Corporation of America, LabCorp
Classification: Uncertain significance. Last evaluated: 2025-10-29. Review status: criteria provided, single submitter. Criteria: LabCorp Variant Classification Summary - May 2015. Collection method: clinical testing. Allele origin: germline.
Comment: Variant summary: PRDM5 c.-18G>A is located in the untranslated mRNA region upstream of the initiation codon. The frequency data for this variant in gnomAD is considered unreliable, as metrics indicate poor data quality at this position. To our knowledge, no occurrence of c.-18G>A in individuals affected with PRDM5-related conditions and no experimental evidence demonstrating its impact on protein function have been reported. No submitters have cited clinical-significance assessments for this variant to ClinVar. Based on the evidence outlined above, the variant was classified as uncertain significance.

NM_018699.4(PRDM5):c.-18G>A

Gene: PRDM5 (PR/SET domain 5; minus strand). Cytogenetic location: 4q27.
Variant type: single nucleotide variant.
Coding change: c.-18G>A on transcript NM_018699.4 (MANE Select); 18 bases upstream of the start codon, G replaced by A.
Molecular consequence: 5 prime UTR variant.
Genome position (GRCh38, 1-based): chr4:120,922,626, C>T on the plus strand (G>A on the coding strand, the complement: PRDM5 is on the minus strand). VCF-style: chr4-120922626-C-T. GRCh37 (hg19) VCF-style: chr4-121843781-C-T.
Other names: c.-18G>A (NM_001300823.2, NM_001300824.2, NM_001379104.1 and 1 more transcripts).
Identifiers: ClinVar variation 4687647 (VCV004687647.1).